The following is an entry in ClinVar:

NM_000264.5(PTCH1):c.4243C>T (p.Pro1415Ser)

Gene: PTCH1 (patched 1; minus strand). Cytogenetic location: 9q22.32.
Variant type: single nucleotide variant.
Coding change: c.4243C>T on transcript NM_000264.5 (MANE Select); coding-DNA position 4243, C replaced by T.
Protein change: p.Pro1415Ser; replaces proline 1415 with serine.
Molecular consequence: missense variant. On other transcripts: non-coding transcript variant (1).
Genome position (GRCh38, 1-based): chr9:95,447,013, G>A on the plus strand (C>T on the coding strand, the complement: PTCH1 is on the minus strand). VCF-style: chr9-95447013-G-A. GRCh37 (hg19) VCF-style: chr9-98209295-G-A.
Other names: c.4045C>T, p.Pro1349Ser (NM_001083602.3); c.4240C>T, p.Pro1414Ser (NM_001083603.3); c.3790C>T, p.Pro1264Ser (NM_001083604.3, NM_001083605.3, NM_001083606.3 and 1 more transcripts); c.4087C>T, p.Pro1363Ser (NM_001354918.2); short protein forms P1349S, P1363S, P1264S, P1414S, P1415S.
Identifiers: ClinVar variation 1739019 (VCV001739019.2), dbSNP rs1837967897, ClinGen allele CA374110042.

ClinVar aggregate classification (germline): Uncertain significance (1 of 4 stars; one submission).

Conditions:
Hereditary cancer-predisposing syndrome. Also called: Hereditary Cancer Syndrome; Hereditary neoplastic syndrome; Neoplastic Syndromes, Hereditary; Tumor predisposition. Identifiers: Orphanet 140162, MedGen C0027672, MeSH D009386, MONDO:0015356.

Submission:

Ambry Genetics
Classification: Uncertain significance for Hereditary cancer-predisposing syndrome. Last evaluated: 2022-08-12. Review status: criteria provided, single submitter. Criteria: Ambry Variant Classification Scheme 2023. Collection method: clinical testing. Allele origin: germline.
Comment: The p.P1415S variant (also known as c.4243C>T), located in coding exon 23 of the PTCH1 gene, results from a C to T substitution at nucleotide position 4243. The proline at codon 1415 is replaced by serine, an amino acid with similar properties. This amino acid position is conserved. In addition, this alteration is predicted to be deleterious by in silico analysis. Since supporting evidence is limited at this time, the clinical significance of this alteration remains unclear.